The following is an entry in ClinVar:

NM_004069.6(AP2S1):c.302T>C (p.Leu101Pro)

Gene: AP2S1 (adaptor related protein complex 2 subunit sigma 1; minus strand). Cytogenetic location: 19q13.32.
Variant type: single nucleotide variant.
Coding change: c.302T>C on transcript NM_004069.6 (MANE Select); coding-DNA position 302, T replaced by C.
Protein change: p.Leu101Pro; replaces leucine 101 with proline.
Molecular consequence: missense variant.
Genome position (GRCh38, 1-based): chr19:46,838,765, A>G on the plus strand (T>C on the coding strand, the complement: AP2S1 is on the minus strand). VCF-style: chr19-46838765-A-G. GRCh37 (hg19) VCF-style: chr19-47342022-A-G.
Other names: c.350T>C, p.Leu117Pro (NM_001301076.3); c.344T>C, p.Leu115Pro (NM_001301078.3); c.308T>C, p.Leu103Pro (NM_001301081.3); c.188T>C, p.Leu63Pro (NM_021575.5); short protein forms L101P, L103P, L115P, L117P, L63P.
Identifiers: ClinVar variation 450031 (VCV000450031.2), dbSNP rs1555748483, ClinGen allele CA406507996.

ClinVar aggregate classification (germline): Uncertain significance (1 of 4 stars; one submission).

Submission:

GeneDx
Classification: Uncertain significance. Last evaluated: 2017-06-22. Review status: criteria provided, single submitter. Criteria: GeneDx Variant Classification (06012015). Collection method: clinical testing. Allele origin: germline. Affected: yes.
Comment: The L101P variant in the AP2S1 gene has not been reported previously as a pathogenic variant, nor as a benign variant, to our knowledge. This variant is not observed in large population cohorts (Lek et al., 2016; 1000 Genomes Consortium et al., 2015; Exome Variant Server). The L101P variant is a semi-conservative amino acid substitution, which may impact secondary protein structure as these residues differ in some properties. This substitution occurs at a position that is conserved across species. In silico analysis predicts this variant is probably damaging to the protein structure/function. We interpret L101P as a variant of uncertain significance.